The following is an entry in ClinVar:

NM_000429.3(MAT1A):c.655C>T (p.Arg219Cys)

Gene: MAT1A (methionine adenosyltransferase 1A; minus strand). Cytogenetic location: 10q22.3.
Variant type: single nucleotide variant.
Coding change: c.655C>T on transcript NM_000429.3 (MANE Select); coding-DNA position 655, C replaced by T.
Protein change: p.Arg219Cys; replaces arginine 219 with cysteine.
Molecular consequence: missense variant.
Genome position (GRCh38, 1-based): chr10:80,276,489, G>A on the plus strand (C>T on the coding strand, the complement: MAT1A is on the minus strand). VCF-style: chr10-80276489-G-A. GRCh37 (hg19) VCF-style: chr10-82036245-G-A.
Other names: short protein forms R219C.
Identifiers: ClinVar variation 1331525 (VCV001331525.8), dbSNP rs1038206403, ClinGen allele CA210323827.

ClinVar aggregate classification (germline): Uncertain significance. Review status: criteria provided, multiple submitters, no conflicts (2 of 4 stars). 2 submissions from 2 submitters: Uncertain significance (2). Last evaluated 2022-03-16.

Conditions:
Hepatic methionine adenosyltransferase deficiency. Also called: Deficiency of methionine adenosyltransferase; Isolated Persistent Hypermethioninemia; MAT I/III DEFICIENCY; Methionine adenosyltransferase deficiency. Identifiers: Orphanet 168598, MedGen C0268621, MeSH C564683, MONDO:0009607, OMIM 250850.

Allele frequency attached by ClinVar (database versions not stated): gnomAD 0.00001; TOPMed 0.00004.
gnomAD v4.1: 13 of 1,614,006 alleles (0.00081%); highest among the groups gnomAD compares: Admixed American, 0.0017%; no homozygotes.

Submissions (2):

Labcorp Genetics (formerly Invitae), Labcorp
Classification: Uncertain significance for Hepatic methionine adenosyltransferase deficiency. Last evaluated: 2022-03-16. Review status: criteria provided, single submitter. Criteria: Invitae Variant Classification Sherloc (09022015). Collection method: clinical testing. Allele origin: germline.
Comment: In summary, the available evidence is currently insufficient to determine the role of this variant in disease. Therefore, it has been classified as a Variant of Uncertain Significance. Algorithms developed to predict the effect of missense changes on protein structure and function (SIFT, PolyPhen-2, Align-GVGD) all suggest that this variant is likely to be disruptive. ClinVar contains an entry for this variant (Variation ID: 1331525). This variant has not been reported in the literature in individuals affected with MAT1A-related conditions. This variant is not present in population databases (gnomAD no frequency). This sequence change replaces arginine, which is basic and polar, with cysteine, which is neutral and slightly polar, at codon 219 of the MAT1A protein (p.Arg219Cys).

Greenwood Genetic Center Diagnostic Laboratories, Greenwood Genetic Center
Classification: Uncertain significance. Last evaluated: 2020-11-23. Review status: criteria provided, single submitter. Criteria: ACMG Guidelines, 2015. Collection method: clinical testing. Allele origin: germline. Affected: yes.
Comment: PP3, PM2